The following is an entry in ClinVar:

ClinVar aggregate classification (germline): Benign (1 of 4 stars; one submission).

Submission:

Women's Health and Genetics/Laboratory Corporation of America, LabCorp
Classification: Benign. Last evaluated: 2017-07-31. Review status: criteria provided, single submitter. Criteria: LabCorp Variant Classification Summary - May 2015. Collection method: clinical testing. Allele origin: germline.
Comment: Variant summary: The SLC22A5 c.-78_-77delinsTA variant involves the alteration of a non-conserved nucleotide located in the 5UTR region. One in silico tool predicts a benign outcome for this variant. This variant was found in 2485/30884 control chromosomes at a frequency of 0.0804624, which is approximately 18 times the estimated maximal expected allele frequency of a pathogenic SLC22A5 variant (0.0045644), suggesting this variant is likely a benign polymorphism. The variant of interest has not, to our knowledge, been reported in affected individuals via publications and/or reputable databases/clinical diagnostic laboratories; nor evaluated for functional impact by in vivo/vitro studies. Taken together, this variant is classified as benign.

NM_003060.4(SLC22A5):c.-78_-77delinsTA

Genes: MIR3936HG (MIR3936 host gene; minus strand), SLC22A5 (solute carrier family 22 member 5; plus strand), LOC129994569 (ATAC-STARR-seq lymphoblastoid silent region 16317; plus strand). Cytogenetic location: 5q31.1.
Variant type: Indel.
Coding change: c.-78_-77delinsTA on transcript NM_003060.4 (MANE Select); 78 bases upstream of the start codon through 77 bases upstream of the start codon, CG replaced by TA.
Molecular consequence: 5 prime UTR variant. On other transcripts: non-coding transcript variant (1).
Genome position (GRCh38, 1-based): chr5:132,369,895-132,369,896, CG replaced by TA. VCF-style: chr5-132369895-CG-TA. GRCh37 (hg19) VCF-style: chr5-131705587-CG-TA.
Other names: c.-78_-77delinsTA (NM_001308122.2).
Identifiers: ClinVar variation 496192 (VCV000496192.1), dbSNP rs71590771, ClinGen allele CA127195915.